The following is an entry in ClinVar:

ClinVar aggregate classification (germline): Benign/Likely benign. Review status: criteria provided, multiple submitters, no conflicts (2 of 4 stars). 4 submissions from 4 submitters: Benign (1); Likely benign (3). Last evaluated 2025-08-28.

Conditions:
Hereditary cancer-predisposing syndrome. Also called: Tumor predisposition; Hereditary neoplastic syndrome; Neoplastic Syndromes, Hereditary; Hereditary Cancer Syndrome. Identifiers: Orphanet 140162, MedGen C0027672, MeSH D009386, MONDO:0015356.
Breast-ovarian cancer, familial, susceptibility to, 4. Identifiers: Orphanet 145, MedGen C3280345, MONDO:0013669, OMIM 614291.

gnomAD v4.1: 4 of 1,611,818 alleles (0.00025%); highest among the groups gnomAD compares: Non-Finnish European, 0.00034%; no homozygotes.

Submissions (4):

Labcorp Genetics (formerly Invitae), Labcorp
Classification: Likely benign for Breast-ovarian cancer, familial, susceptibility to, 4. Last evaluated: 2025-08-28. Review status: criteria provided, single submitter. Criteria: Invitae Variant Classification Sherloc (09022015). Collection method: clinical testing. Allele origin: germline.

Myriad Genetics, Inc.
Classification: Benign for Breast-ovarian cancer, familial, susceptibility to, 4. Last evaluated: 2025-02-19. Review status: criteria provided, single submitter. Criteria: Myriad Autosomal Dominant, Autosomal Recessive and X-Linked Classification Criteria (2023). Collection method: clinical testing. Allele origin: unknown.
Comment: This variant is considered benign. This variant is a silent/synonymous amino acid change and it is not expected to impact splicing.

Color Diagnostics, LLC DBA Color Health
Classification: Likely benign for Hereditary cancer-predisposing syndrome. Last evaluated: 2020-08-20. Review status: criteria provided, single submitter. Criteria: ACMG Guidelines, 2015. Collection method: clinical testing. Allele origin: germline.

Ambry Genetics
Classification: Likely benign for Hereditary cancer-predisposing syndrome. Last evaluated: 2019-07-02. Review status: criteria provided, single submitter. Criteria: Ambry Variant Classification Scheme 2023. Collection method: clinical testing. Allele origin: germline.

NM_002878.4(RAD51D):c.12C>T (p.Leu4=)

Genes: RAD51L3-RFFL (RAD51L3-RFFL readthrough; minus strand), RAD51D (RAD51 paralog D; minus strand). Cytogenetic location: 17q12.
Variant type: single nucleotide variant.
Coding change: c.12C>T on transcript NM_002878.4 (MANE Select); coding-DNA position 12, C replaced by T.
Protein change: p.Leu4=; no amino-acid change (leucine 4 retained).
Molecular consequence: synonymous variant. On other transcripts: non-coding transcript variant (2).
Genome position (GRCh38, 1-based): chr17:35,119,602, G>A on the plus strand (C>T on the coding strand, the complement: RAD51D is on the minus strand). VCF-style: chr17-35119602-G-A. GRCh37 (hg19) VCF-style: chr17-33446621-G-A.
Other names: c.12C>T, p.Leu4= (NM_001142571.2, NM_133629.3).
Identifiers: ClinVar variation 818846 (VCV000818846.15), dbSNP rs786203193, ClinGen allele CA499732549.